The following is an entry in ClinVar:

ClinVar aggregate classification (germline): Likely pathogenic (1 of 4 stars; one submission).

Conditions:
Dilated cardiomyopathy 1G (CMD1G). Identifiers: Orphanet 154, MedGen C1858763, MONDO:0011400, OMIM 604145.
Autosomal recessive limb-girdle muscular dystrophy type 2J (LGMDR10). Also called: Limb-girdle muscular dystrophy, type 2J; MUSCULAR DYSTROPHY, LIMB-GIRDLE, AUTOSOMAL RECESSIVE 10. Identifiers: Orphanet 140922, MedGen C1837342, MONDO:0012127, OMIM 608807.

Submission:

Labcorp Genetics (formerly Invitae), Labcorp
Classification: Likely pathogenic for Dilated cardiomyopathy 1G; Autosomal recessive limb-girdle muscular dystrophy type 2J. Last evaluated: 2025-04-01. Review status: criteria provided, single submitter. Criteria: Invitae Variant Classification Sherloc (09022015). Collection method: clinical testing. Allele origin: germline.
Comment: This sequence change creates a premature translational stop signal (p.Thr32941Metfs*40) in the TTN gene. While this is not anticipated to result in nonsense mediated decay, it is expected to create a truncated TTN protein. This variant is not present in population databases (gnomAD no frequency). This variant has not been reported in the literature in individuals affected with TTN-related conditions. This variant is located in the A band of TTN (PMID: 25589632). Truncating variants in this region are significantly overrepresented in patients affected with dilated cardiomyopathy (PMID: 25589632). Truncating variants in this region have also been reported in individuals affected with autosomal recessive centronuclear myopathy (PMID: 23975875). In summary, the currently available evidence indicates that the variant is pathogenic, but additional data are needed to prove that conclusively. Therefore, this variant has been classified as Likely Pathogenic.

Literature cited by the submitters: PubMed 25589632; PubMed 23975875.

NM_001267550.2(TTN):c.98822del (p.Thr32941fs)

Genes: TTN-AS1 (TTN antisense RNA 1; plus strand), TTN (titin; minus strand). Cytogenetic location: 2q31.2.
Variant type: Deletion.
Coding change: c.98822del on transcript NM_001267550.2 (MANE Select); coding-DNA position 98822, one base deleted (C; older notation c.98822delC).
Protein change: p.Thr32941fs; shifts the reading frame from threonine 32941.
Molecular consequence: frameshift variant. On other transcripts: non-coding transcript variant (1).
Genome position (GRCh38, 1-based): chr2:178,539,113, G deleted on the plus strand (C on the coding strand, the reverse complement: TTN is on the minus strand). VCF-style (leftmost placement, unchanged base first): chr2-178539112-AG-A. GRCh37 (hg19) VCF-style: chr2-179403839-AG-A.
Other names: c.93899del, p.Thr31300fs (NM_001256850.1); c.71627del, p.Thr23876fs (NM_003319.4); c.91118del, p.Thr30373fs (NM_133378.4); c.72002del, p.Thr24001fs (NM_133432.3); c.72203del, p.Thr24068fs (NM_133437.4); short protein forms T24068fs, T31300fs, T24001fs, T23876fs, T30373fs, T32941fs.
Identifiers: ClinVar variation 4784601 (VCV004784601.1).